The following is an entry in ClinVar:

ClinVar aggregate classification (germline): Benign/Likely benign. Review status: criteria provided, multiple submitters, no conflicts (2 of 4 stars). 3 submissions from 3 submitters: Benign (2); Likely benign (1). Last evaluated 2024-10-24.

Conditions:
Dextro-looped transposition of the great arteries. Also called: Dextrotransposition of the great arteries. Identifiers: Orphanet 860, MedGen C3531771, MONDO:0019443, OMIM 608808, HP:0031348.

Allele frequency attached by ClinVar (database versions not stated): gnomAD exomes 0.00003 and 0.00010; ExAC 0.00012; gnomAD 0.00028 and 0.00032; 1000 Genomes Project 30x 0.00031; TOPMed 0.00035; ESP Exome Variant Server 0.00038; 1000 Genomes Project 0.00040.
gnomAD v4.1: 102 of 1,611,862 alleles (0.0063%); highest among the groups gnomAD compares: African/African-American, 0.11%; no homozygotes.

Submissions (3):

Labcorp Genetics (formerly Invitae), Labcorp
Classification: Benign for Dextro-looped transposition of the great arteries. Last evaluated: 2024-10-24. Review status: criteria provided, single submitter. Criteria: Invitae Variant Classification Sherloc (09022015). Collection method: clinical testing. Allele origin: germline.

CeGaT Center for Human Genetics Tuebingen
Classification: Likely benign. Last evaluated: 2023-10-01. Review status: criteria provided, single submitter. Criteria: CeGaT Center For Human Genetics Tuebingen Variant Classification Criteria Version 2. Collection method: clinical testing. Allele origin: germline. Affected: yes. Observed: 1 variant allele.
Comment: MED13L: BP4, BS1

GeneDx
Classification: Benign. Last evaluated: 2021-03-11. Review status: criteria provided, single submitter. Criteria: GeneDx Variant Classification Process June 2021. Collection method: clinical testing. Allele origin: germline. Affected: yes.

NM_015335.5(MED13L):c.2239-7T>C

Gene: MED13L (mediator complex subunit 13L; minus strand). Cytogenetic location: 12q24.21.
Variant type: single nucleotide variant.
Coding change: c.2239-7T>C on transcript NM_015335.5 (MANE Select); 7 bases into the intron before coding-DNA position 2239, T replaced by C.
Molecular consequence: intron variant.
Genome position (GRCh38, 1-based): chr12:116,006,418, A>G on the plus strand (T>C on the coding strand, the complement: MED13L is on the minus strand). VCF-style: chr12-116006418-A-G. GRCh37 (hg19) VCF-style: chr12-116444223-A-G.
Identifiers: ClinVar variation 1167242 (VCV001167242.35), dbSNP rs144147395, ClinGen allele CA6811208.